The following is an entry in ClinVar:

ClinVar aggregate classification (germline): Benign/Likely benign. Review status: criteria provided, multiple submitters, no conflicts (2 of 4 stars). 8 submissions from 8 submitters: Benign (4); Likely benign (3). 1 of the submissions does not count toward it. Last evaluated 2026-01-28.

Conditions:
Long chain 3-hydroxyacyl-CoA dehydrogenase deficiency. Also called: LCHAD Deficiency; Deficiency of long-chain 3-hydroxyacyl-coenzyme A dehydrogenase. Identifiers: Orphanet 5, MedGen C3711645, MONDO:0012173, OMIM 609016.
Deficiency of hydroxymethylglutaryl-CoA lyase (HMGCLD). Also called: Defect in leucine metabolism; 3-hydroxy-3-methylglutaric aciduria; HMGCL DEFICIENCY; HYDROXYMETHYLGLUTARIC ACIDURIA; HMG-CoA LYASE DEFICIENCY. Identifiers: Orphanet 20, MedGen C1533587, MONDO:0009520, OMIM 246450.
HMGCL-related disorder. Also called: HMGCL-related condition.

Allele frequency attached by ClinVar (database versions not stated): gnomAD 0.00290 and 0.00275; 1000 Genomes Project 0.00319; TOPMed 0.00320; ESP Exome Variant Server 0.00323; 1000 Genomes Project 30x 0.00328; gnomAD exomes 0.00023 and 0.00065; ExAC 0.00093.
gnomAD v4.1: 779 of 1,614,072 alleles (0.048%); highest among the groups gnomAD compares: African/African-American, 0.87%; 4 homozygotes.

Submissions (8):

Labcorp Genetics (formerly Invitae), Labcorp
Classification: Benign for Deficiency of hydroxymethylglutaryl-CoA lyase. Last evaluated: 2026-01-28. Review status: criteria provided, single submitter. Criteria: Invitae Variant Classification Sherloc (09022015). Collection method: clinical testing. Allele origin: germline.

PreventionGenetics, part of Exact Sciences
Classification: Likely benign for HMGCL-related condition. Last evaluated: 2025-11-12. Review status: criteria provided, single submitter. Criteria: ACMG Guidelines, 2015. Collection method: clinical testing. Allele origin: germline.
Comment: This variant is classified as likely benign based on ACMG/AMP sequence variant interpretation guidelines (Richards et al. 2015 PMID: 25741868, with internal and published modifications).

Blueprint Genetics
Classification: Likely benign. Last evaluated: 2024-09-04. Review status: criteria provided, single submitter. Criteria: ACMG Guidelines, 2015. Collection method: clinical testing. Allele origin: germline.

CeGaT Center for Human Genetics Tuebingen
Classification: Likely benign. Last evaluated: 2024-07-01. Review status: criteria provided, single submitter. Criteria: CeGaT Center For Human Genetics Tuebingen Variant Classification Criteria Version 2. Collection method: clinical testing. Allele origin: germline. Affected: yes. Observed: 1 variant allele.
Comment: HMGCL: BP4, BP7, BS2

Genome-Nilou Lab
Classification: Benign for Deficiency of hydroxymethylglutaryl-CoA lyase. Last evaluated: 2023-04-11. Review status: criteria provided, single submitter. Criteria: ACMG Guidelines, 2015. Collection method: clinical testing. Allele origin: germline. Affected: no.

GeneDx
Classification: Benign. Last evaluated: 2020-10-17. Review status: criteria provided, single submitter. Criteria: GeneDx Variant Classification Process June 2021. Collection method: clinical testing. Allele origin: germline. Affected: yes.

Breakthrough Genomics
Classification: Benign. Review status: criteria provided, single submitter. Criteria: ACMG Guidelines, 2015. Collection method: not provided. Allele origin: germline. Inheritance: Autosomal recessive inheritance. Affected: yes.

Natera, Inc.
Classification: Likely benign for Deficiency of long-chain 3-hydroxyacyl-coenzyme A dehydrogenase. Last evaluated: 2019-12-04. Review status: no assertion criteria provided. Collection method: clinical testing. Allele origin: germline. Not counted in ClinVar's aggregate classification.

NM_000191.3(HMGCL):c.393A>G (p.Ser131=)

Gene: HMGCL (3-hydroxy-3-methylglutaryl-CoA lyase; minus strand). Cytogenetic location: 1p36.11.
Variant type: single nucleotide variant.
Coding change: c.393A>G on transcript NM_000191.3 (MANE Select); coding-DNA position 393, A replaced by G.
Protein change: p.Ser131=; no amino-acid change (serine 131 retained).
Molecular consequence: synonymous variant. On other transcripts: intron variant (1).
Genome position (GRCh38, 1-based): chr1:23,814,294, T>C on the plus strand (A>G on the coding strand, the complement: HMGCL is on the minus strand). VCF-style: chr1-23814294-T-C. GRCh37 (hg19) VCF-style: chr1-24140784-T-C.
Other names: c.348+2381A>G (NM_001166059.2).
Identifiers: ClinVar variation 382367 (VCV000382367.36), dbSNP rs56218308, ClinGen allele CA686109.